The following is an entry in ClinVar:

ClinVar aggregate classification (germline): Uncertain significance (1 of 4 stars; one submission).

Conditions:
Inborn genetic diseases. Identifiers: MedGen C0950123, MeSH D030342.

gnomAD v4.1: 1 of 1,494,250 alleles (0.000067%); highest among the groups gnomAD compares: Non-Finnish European, 0.000089%; no homozygotes.

Submission:

Ambry Genetics
Classification: Uncertain significance for Inborn genetic diseases. Last evaluated: 2026-07-07. Review status: criteria provided, single submitter. Criteria: Ambry Variant Classification Scheme 2023. Collection method: clinical testing. Allele origin: germline.
Comment: The p.L253V variant (also known as c.757C>G), located in coding exon 1 of the CEBPA gene, results from a C to G substitution at nucleotide position 757. The leucine at codon 253 is replaced by valine, an amino acid with highly similar properties. This amino acid position is conserved. In addition, this alteration is predicted to be tolerated by in silico analysis. Based on the available evidence, the clinical significance of this variant remains unclear.

NM_004364.5(CEBPA):c.757C>G (p.Leu253Val)

Gene: CEBPA (CCAAT enhancer binding protein alpha; minus strand). Cytogenetic location: 19q13.11.
Variant type: single nucleotide variant.
Coding change: c.757C>G on transcript NM_004364.5 (MANE Select); coding-DNA position 757, C replaced by G.
Protein change: p.Leu253Val; replaces leucine 253 with valine.
Molecular consequence: missense variant.
Genome position (GRCh38, 1-based): chr19:33,301,658, G>C on the plus strand (C>G on the coding strand, the complement: CEBPA is on the minus strand). VCF-style: chr19-33301658-G-C. GRCh37 (hg19) VCF-style: chr19-33792564-G-C.
Other names: c.400C>G, p.Leu134Val (NM_001285829.2); c.862C>G, p.Leu288Val (NM_001287424.2); c.715C>G, p.Leu239Val (NM_001287435.2); short protein forms L134V, L253V, L239V, L288V.
Identifiers: ClinVar variation 5034290 (VCV005034290.1).